The following is an entry in ClinVar:

NM_005918.4(MDH2):c.488C>A (p.Pro163His)

Gene: MDH2 (malate dehydrogenase 2; plus strand). Cytogenetic location: 7q11.23.
Variant type: single nucleotide variant.
Coding change: c.488C>A on transcript NM_005918.4 (MANE Select); coding-DNA position 488, C replaced by A.
Protein change: p.Pro163His; replaces proline 163 with histidine.
Molecular consequence: missense variant. On other transcripts: intron variant (1).
Genome position (GRCh38, 1-based): chr7:76,060,431, C>A. VCF-style: chr7-76060431-C-A. GRCh37 (hg19) VCF-style: chr7-75689749-C-A.
Other names: c.167C>A, p.Pro56His (NM_001282404.2); c.429+2353C>A (NM_001282403.2); short protein forms P163H, P56H.
Identifiers: ClinVar variation 1743843 (VCV001743843.16), dbSNP rs782102100, ClinGen allele CA4305558.

ClinVar aggregate classification (germline): Uncertain significance. Review status: criteria provided, multiple submitters, no conflicts (2 of 4 stars). 3 submissions from 3 submitters: Uncertain significance (3). Last evaluated 2025-07-01.

Conditions:
Inborn genetic diseases. Identifiers: MedGen C0950123, MeSH D030342.

Allele frequency attached by ClinVar (database versions not stated): gnomAD exomes 0.00001; TOPMed 0.00001; ExAC 0.00002.

Submissions (3):

CeGaT Center for Human Genetics Tuebingen
Classification: Uncertain significance. Last evaluated: 2025-07-01. Review status: criteria provided, single submitter. Criteria: CeGaT Center For Human Genetics Tuebingen Variant Classification Criteria Version 2. Collection method: clinical testing. Allele origin: germline. Affected: yes. Observed: 1 variant allele.
Comment: MDH2: PM2, PP3

Labcorp Genetics (formerly Invitae), Labcorp
Classification: Uncertain significance. Last evaluated: 2024-11-15. Review status: criteria provided, single submitter. Criteria: Invitae Variant Classification Sherloc (09022015). Collection method: clinical testing. Allele origin: germline.
Comment: This sequence change replaces proline, which is neutral and non-polar, with histidine, which is basic and polar, at codon 163 of the MDH2 protein (p.Pro163His). This variant is present in population databases (rs782102100, gnomAD 0.002%). This variant has not been reported in the literature in individuals affected with MDH2-related conditions. ClinVar contains an entry for this variant (Variation ID: 1743843). Invitae Evidence Modeling of protein sequence and biophysical properties (such as structural, functional, and spatial information, amino acid conservation, physicochemical variation, residue mobility, and thermodynamic stability) indicates that this missense variant is not expected to disrupt MDH2 protein function with a negative predictive value of 80%. In summary, the available evidence is currently insufficient to determine the role of this variant in disease. Therefore, it has been classified as a Variant of Uncertain Significance.

Ambry Genetics
Classification: Uncertain significance for Inborn genetic diseases. Last evaluated: 2024-05-07. Review status: criteria provided, single submitter. Criteria: Ambry Variant Classification Scheme 2023. Collection method: clinical testing. Allele origin: germline.
Comment: The p.P163H variant (also known as c.488C>A), located in coding exon 5 of the MDH2 gene, results from a C to A substitution at nucleotide position 488. The proline at codon 163 is replaced by histidine, an amino acid with similar properties. This amino acid position is conserved. In addition, the in silico prediction for this alteration is inconclusive. Since supporting evidence is limited at this time, the clinical significance of this alteration remains unclear.